The following is an entry in ClinVar:

ClinVar aggregate classification (germline): Likely pathogenic (1 of 4 stars; one submission).

Conditions:
Hereditary cancer-predisposing syndrome. Also called: Neoplastic Syndromes, Hereditary; Tumor predisposition; Hereditary Cancer Syndrome; Hereditary neoplastic syndrome. Identifiers: Orphanet 140162, MedGen C0027672, MeSH D009386, MONDO:0015356.

Submission:

Ambry Genetics
Classification: Likely pathogenic for Hereditary cancer-predisposing syndrome. Last evaluated: 2025-09-30. Review status: criteria provided, single submitter. Criteria: Ambry Variant Classification Scheme 2023. Collection method: clinical testing. Allele origin: germline.
Comment: The c.504+1G>T intronic variant results from a G to T substitution one nucleotide after coding exon 6 of the MUTYH gene. Alterations that disrupt the canonical splice site are expected to result in aberrant splicing. In silico splice site analysis predicts that this alteration will weaken the native splice donor site. A resulting transcript is predicted to be in-frame and is not expected to trigger nonsense-mediated mRNAdecay; although, direct evidence is unavailable. However, the region predicted to be impacted is critical for protein function (Ambry internal data). This variant is considered to be rare based on population cohorts in the Genome Aggregation Database (gnomAD). This nucleotide position is highly conserved in available vertebrate species. Based on the majority of available evidence to date, this variant is likely to be pathogenic.

NM_001048174.2(MUTYH):c.420+1G>T

Gene: MUTYH (mutY DNA glycosylase; minus strand). Cytogenetic location: 1p34.1.
Variant type: single nucleotide variant.
Coding change: c.420+1G>T on transcript NM_001048174.2 (MANE Select); the canonical splice donor site of the intron after coding-DNA position 420, G replaced by T.
Molecular consequence: splice donor variant. On other transcripts: intron variant (4).
Genome position (GRCh38, 1-based): chr1:45,332,917, C>A on the plus strand (G>T on the coding strand, the complement: MUTYH is on the minus strand). VCF-style: chr1-45332917-C-A. GRCh37 (hg19) VCF-style: chr1-45798589-C-A.
Other names: c.420+1G>T (NM_001407072.1, NM_001048171.2, NM_001407070.1 and 5 more transcripts); c.75+1G>T (NM_001350651.2, NM_001350650.2, NM_001407082.1); c.144+1G>T (NM_001293192.2, NM_001293196.2, NM_001407091.1); c.421-83G>T (NM_001407073.1); c.465+1G>T (NM_001293190.2); c.454-83G>T (NM_001407069.1); c.495+1G>T (NM_012222.3); c.504+1G>T (NM_001128425.2); and 7 more.
Identifiers: ClinVar variation 4659683 (VCV004659683.1).